The following is an entry in ClinVar:

NM_206933.4(USH2A):c.4385C>T (p.Thr1462Ile)

Gene: USH2A (usherin; minus strand). Cytogenetic location: 1q41.
Variant type: single nucleotide variant.
Coding change: c.4385C>T on transcript NM_206933.4 (MANE Select); coding-DNA position 4385, C replaced by T.
Protein change: p.Thr1462Ile; replaces threonine 1462 with isoleucine.
Molecular consequence: missense variant.
Genome position (GRCh38, 1-based): chr1:216,190,234, G>A on the plus strand (C>T on the coding strand, the complement: USH2A is on the minus strand). VCF-style: chr1-216190234-G-A. GRCh37 (hg19) VCF-style: chr1-216363576-G-A.
Other names: c.4385C>T, p.Thr1462Ile (NM_007123.6); short protein forms T1462I.
Identifiers: ClinVar variation 1331411 (VCV001331411.8), dbSNP rs2034687815, ClinGen allele CA344865076.
Genomic context (GRCh38, chr1:216,190,234, plus strand): 5'-TTTTTCTTGATAGGCAACAGATTTTTCATATCCATTAAAACTTGCTTACCTGCTGCTAAA[G>A]TTTGTCCTGCTCCCGAAGCACTGGTCACACAACCAACTGAATTGCAGAGAGTAATAGTAA-3'
Protein context (NP_996816.3, residues 1452-1472): CVTSASGAGQ[Thr1462Ile]LAAAPAQLRP

ClinVar aggregate classification (germline): Pathogenic/Likely pathogenic. Review status: criteria provided, multiple submitters, no conflicts (2 of 4 stars). 3 submissions from 3 submitters: Pathogenic (1); Likely pathogenic (2). Last evaluated 2025-10-29.

Conditions:
Usher syndrome. Also called: Usher Syndromes; Usher's syndrome. Identifiers: Orphanet 886, MedGen CN469326, MeSH D052245, MONDO:0019501. Disease mechanism: loss of function.
Usher syndrome type 2A. Also called: USHER SYNDROME, TYPE IIA; RETINAL DISEASE IN USHER SYNDROME TYPE IIA, MODIFIER OF. Identifiers: Orphanet 231178, Orphanet 886, MedGen C1848634, MONDO:0010169, OMIM 276901.

gnomAD v4.1: 4 of 1,612,334 alleles (0.00025%); highest among the groups gnomAD compares: Non-Finnish European, 0.00034%; no homozygotes.

Submissions (3):

Labcorp Genetics (formerly Invitae), Labcorp
Classification: Pathogenic. Last evaluated: 2025-10-29. Review status: criteria provided, single submitter. Criteria: Invitae Variant Classification Sherloc (09022015). Collection method: clinical testing. Allele origin: germline.
Comment: This sequence change replaces threonine, which is neutral and polar, with isoleucine, which is neutral and non-polar, at codon 1462 of the USH2A protein (p.Thr1462Ile). This variant is not present in population databases (gnomAD no frequency). This missense change has been observed in individual(s) with Usher syndrome (PMID: 30459346). ClinVar contains an entry for this variant (Variation ID: 1331411). Invitae Evidence Modeling of protein sequence and biophysical properties (such as structural, functional, and spatial information, amino acid conservation, physicochemical variation, residue mobility, and thermodynamic stability) indicates that this missense variant is expected to disrupt USH2A protein function with a positive predictive value of 95%. For these reasons, this variant has been classified as Pathogenic.

Women's Health and Genetics/Laboratory Corporation of America, LabCorp
Classification: Likely pathogenic for Usher syndrome. Last evaluated: 2025-07-18. Review status: criteria provided, single submitter. Criteria: LabCorp Variant Classification Summary - May 2015. Collection method: clinical testing. Allele origin: germline.
Comment: Variant summary: USH2A c.4385C>T (p.Thr1462Ile) results in a non-conservative amino acid change located in the Fibronectin type III domain (IPR003961) of the encoded protein sequence. Algorithms developed to predict the effect of missense changes on protein structure and function all suggest that this variant is likely to be disruptive. The variant was absent in 250650 control chromosomes. c.4385C>T has been observed in individual(s) affected with Usher Syndrome (e.g., Fuster-Garca_2018, Mansard_2021, Panneman_2023). These data indicate that the variant is likely to be associated with disease. To our knowledge, no experimental evidence demonstrating an impact on protein function has been reported. The following publications have been ascertained in the context of this evaluation (PMID: 30459346, 34948090, 36819107). ClinVar contains an entry for this variant (Variation ID: 1331411). Based on the evidence outlined above, the variant was classified as likely pathogenic.

Natera, Inc.
Classification: Likely pathogenic for Usher syndrome type 2A. Last evaluated: 2025-02-17. Review status: criteria provided, single submitter. Criteria: Natera Variant Classification Schema (03/2026). Collection method: clinical testing. Allele origin: germline.
Comment: The c.4385C>T variant in USH2A is a missense variant predicted to cause substitution of threonine to isoleucine at amino acid 1462. This variant is rare in the general population with a frequency below the threshold expected for the associated phenotype(s). This variant has been observed in one or more individuals affected with the associated recessive disease, as either homozygous or compound heterozygous with a second variant (PMID: 30459346, 34948090, 36819107). Computational prediction algorithms indicate this variant is likely to affect gene or protein function. Given the available evidence, this variant is classified as Likely Pathogenic.

Literature cited by the submitters: PubMed 30459346 (cited by 3 submitters); PubMed 34948090 (cited by Women's Health and Genetics/Laboratory Corporation of America, LabCorp and Natera, Inc.); PubMed 36819107 (cited by Women's Health and Genetics/Laboratory Corporation of America, LabCorp and Natera, Inc.).